The following is an entry in ClinVar:

ClinVar aggregate classification (germline): Uncertain significance (1 of 4 stars; one submission).

Conditions:
Nephrolithiasis/nephrocalcinosis. Identifiers: MedGen CN580796.

Submission:

Ambry Genetics
Classification: Uncertain significance for Nephrolithiasis/nephrocalcinosis. Last evaluated: 2021-12-22. Review status: criteria provided, single submitter. Criteria: Ambry Variant Classification Scheme 2023. Collection method: clinical testing. Allele origin: germline.
Comment: The p.T211A variant (also known as c.631A>G), located in coding exon 3 of the CASR gene, results from an A to G substitution at nucleotide position 631. The threonine at codon 211 is replaced by alanine, an amino acid with similar properties. This amino acid position is conserved. In addition, this alteration is predicted to be tolerated by in silico analysis. Since supporting evidence is limited at this time, the clinical significance of this alteration remains unclear.

NM_000388.4(CASR):c.631A>G (p.Thr211Ala)

Gene: CASR (calcium sensing receptor; plus strand). Cytogenetic location: 3q21.1.
Variant type: single nucleotide variant.
Coding change: c.631A>G on transcript NM_000388.4 (MANE Select); coding-DNA position 631, A replaced by G.
Protein change: p.Thr211Ala; replaces threonine 211 with alanine.
Molecular consequence: missense variant.
Genome position (GRCh38, 1-based): chr3:122,261,666, A>G. VCF-style: chr3-122261666-A-G. GRCh37 (hg19) VCF-style: chr3-121980513-A-G.
Other names: c.631A>G, p.Thr211Ala (NM_001178065.2); short protein forms T211A.
Identifiers: ClinVar variation 1752823 (VCV001752823.2), dbSNP rs2473225715, ClinGen allele CA354151008.